The following is an entry in ClinVar:

NM_000406.2(GNRHR):c.-904A>G

Gene: GNRHR (gonadotropin releasing hormone receptor; minus strand). Cytogenetic location: 4q13.2.
Variant type: single nucleotide variant.
Coding change: c.-904A>G on transcript NM_000406.2; 904 bases upstream of the start codon, A replaced by G.
Genome position (GRCh38, 1-based): chr4:67,755,239, T>C on the plus strand (A>G on the coding strand, the complement: GNRHR is on the minus strand). VCF-style: chr4-67755239-T-C. GRCh37 (hg19) VCF-style: chr4-68620957-T-C.
Identifiers: ClinVar variation 349468 (VCV000349468.8), dbSNP rs6552113, ClinGen allele CA10621580.

ClinVar aggregate classification (germline): Benign. Review status: criteria provided, multiple submitters, no conflicts (2 of 4 stars). 2 submissions from 2 submitters: Benign (2). Last evaluated 2018-01-12.

Conditions:
Hypogonadotropic hypogonadism 7 with or without anosmia (HH7). Also called: HYPOGONADOTROPIC HYPOGONADISM 7 WITHOUT ANOSMIA; GNRHR-Related GnRH Deficiency. Identifiers: Orphanet 432, MedGen C0342384, MONDO:0007794, OMIM 146110.

Allele frequency attached by ClinVar (database versions not stated): gnomAD 0.43869 and 0.44769; 1000 Genomes Project 30x 0.45862; gnomAD exomes 0.83333; 1000 Genomes Project 0.46625; TOPMed 0.43345.

Submissions (2):

Illumina Laboratory Services, Illumina
Classification: Benign for Hypogonadotropic hypogonadism 7 with or without anosmia. Last evaluated: 2018-01-12. Review status: criteria provided, single submitter. Criteria: ICSL Variant Classification Criteria 13 December 2019. Collection method: clinical testing. Allele origin: germline.
Comment: This variant was observed in the ICSL laboratory as part of a predisposition screen in an ostensibly healthy population. It had not been previously curated by ICSL or reported in the Human Gene Mutation Database (HGMD: prior to June 1st, 2018), and was therefore a candidate for classification through an automated scoring system. Utilizing variant allele frequency, disease prevalence and penetrance estimates, and inheritance mode, an automated score was calculated to assess if this variant is too frequent to cause the disease. Based on the score and internal cut-off values, a variant classified as benign is not then subjected to further curation. The score for this variant resulted in a classification of benign for this disease.

Breakthrough Genomics
Classification: Benign. Review status: criteria provided, single submitter. Criteria: ACMG Guidelines, 2015. Collection method: not provided. Allele origin: germline. Inheritance: Autosomal recessive inheritance. Affected: yes.